The following is an entry in ClinVar:

NM_000260.4(MYO7A):c.1180G>A (p.Val394Met)

Gene: MYO7A (myosin VIIA; plus strand). Cytogenetic location: 11q13.5.
Variant type: single nucleotide variant.
Coding change: c.1180G>A on transcript NM_000260.4 (MANE Select); coding-DNA position 1180, G replaced by A.
Protein change: p.Val394Met; replaces valine 394 with methionine.
Molecular consequence: missense variant.
Genome position (GRCh38, 1-based): chr11:77,160,262, G>A. VCF-style: chr11-77160262-G-A. GRCh37 (hg19) VCF-style: chr11-76871308-G-A.
Other names: c.1180G>A, p.Val394Met (NM_001127180.2); c.1147G>A, p.Val383Met (NM_001369365.1); short protein forms V383M, V394M.
Identifiers: ClinVar variation 3706682 (VCV003706682.4).
Genomic context (GRCh38, chr11:77,160,262, plus strand): 5'-ACCCTCATCACCCGCGGGGAGACGGTGTCCACCCCACTGAGCAGGGAACAGGCACTGGAC[G>A]TGCGCGACGCCTTCGTAAAGGTGGGCTGGAGGGAAGGGGCCGCTTGCTCGCCCTACCCCT-3'
Protein context (NP_000251.3, residues 384-404): TPLSREQALD[Val394Met]RDAFVKGIYG

ClinVar aggregate classification (germline): Uncertain significance. Review status: criteria provided, multiple submitters, no conflicts (2 of 4 stars). 3 submissions from 3 submitters: Uncertain significance (3). Last evaluated 2025-06-04.

Conditions:
Autosomal dominant nonsyndromic hearing loss 11. Identifiers: Orphanet 90635, MedGen C1832475, MONDO:0011032, OMIM 601317.
Autosomal recessive nonsyndromic hearing loss 2. Also called: DEAFNESS, AUTOSOMAL RECESSIVE 2; NEUROSENSORY NONSYNDROMIC RECESSIVE DEAFNESS 2. Identifiers: Orphanet 90636, MedGen C1838701, MONDO:0010807, OMIM 600060.
Usher syndrome type 1 (USH1). Also called: RETINITIS PIGMENTOSA AND CONGENITAL DEAFNESS. Identifiers: Orphanet 231169, Orphanet 886, MedGen C1568247, MONDO:0010168, OMIM 276900.

gnomAD v4.1: 15 of 1,570,196 alleles (0.00096%); highest among the groups gnomAD compares: Admixed American, 0.0019%; no homozygotes.

Submissions (3):

Clinical Genomics Laboratory, Washington University in St. Louis
Classification: Uncertain significance for Usher syndrome type 1; Autosomal recessive nonsyndromic hearing loss 2; Autosomal dominant nonsyndromic hearing loss 11. Last evaluated: 2025-06-04. Review status: criteria provided, single submitter. Criteria: ACMG Guidelines, 2015. Collection method: clinical testing. Allele origin: germline.
Comment: The MYO7A c.1180G>A (p.Val394Met) variant, to our knowledge, has not been reported in the medical literature. This variant is only observed on 1/ 31,376 alleles in the general population (gnomAD v.2.1.1), indicating it is not a common variant. Computational predictors are uncertain as to the impact of this variant on MYO7A function. Due to limited information, and based on ACMG/AMP guidelines for variant interpretation (Richards S et al., PMID: 25741868), the clinical significance of this variant is uncertain at this time.

Labcorp Genetics (formerly Invitae), Labcorp
Classification: Uncertain significance. Last evaluated: 2025-02-10. Review status: criteria provided, single submitter. Criteria: Invitae Variant Classification Sherloc (09022015). Collection method: clinical testing. Allele origin: germline.
Comment: This sequence change replaces valine, which is neutral and non-polar, with methionine, which is neutral and non-polar, at codon 394 of the MYO7A protein (p.Val394Met). This variant is present in population databases (no rsID available, gnomAD 0.005%). This variant has not been reported in the literature in individuals affected with MYO7A-related conditions. Invitae Evidence Modeling of protein sequence and biophysical properties (such as structural, functional, and spatial information, amino acid conservation, physicochemical variation, residue mobility, and thermodynamic stability) indicates that this missense variant is not expected to disrupt MYO7A protein function with a negative predictive value of 95%. In summary, the available evidence is currently insufficient to determine the role of this variant in disease. Therefore, it has been classified as a Variant of Uncertain Significance.

Blueprint Genetics
Classification: Uncertain significance. Last evaluated: 2019-12-16. Review status: criteria provided, single submitter. Criteria: ACMG Guidelines, 2015. Collection method: clinical testing. Allele origin: germline.